The following is an entry in ClinVar:

NM_000243.3(MEFV):c.1552G>A (p.Ala518Thr)

Gene: MEFV (MEFV innate immunity regulator, pyrin; minus strand). Cytogenetic location: 16p13.3.
Variant type: single nucleotide variant.
Coding change: c.1552G>A on transcript NM_000243.3 (MANE Select); coding-DNA position 1552, G replaced by A.
Protein change: p.Ala518Thr; replaces alanine 518 with threonine.
Molecular consequence: missense variant.
Genome position (GRCh38, 1-based): chr16:3,247,051, C>T on the plus strand (G>A on the coding strand, the complement: MEFV is on the minus strand). VCF-style: chr16-3247051-C-T. GRCh37 (hg19) VCF-style: chr16-3297051-C-T.
Other names: c.919G>A, p.Ala307Thr (NM_001198536.2); short protein forms A307T, A518T.
Identifiers: ClinVar variation 1469430 (VCV001469430.8), dbSNP rs2141668949, ClinGen allele CA394463381.

ClinVar aggregate classification (germline): Uncertain significance (1 of 4 stars; one submission).

Conditions:
Familial Mediterranean fever (FMF). Also called: Periodic peritonitis; Benign paroxysmal peritonitis; POLYSEROSITIS, FAMILIAL PAROXYSMAL; POLYSEROSITIS, RECURRENT. Identifiers: Orphanet 342, MedGen C0031069, MONDO:0018088, OMIM 249100. Disease mechanism: gain of function.

Submission:

Labcorp Genetics (formerly Invitae), Labcorp
Classification: Uncertain significance for Familial Mediterranean fever. Last evaluated: 2021-04-14. Review status: criteria provided, single submitter. Criteria: Invitae Variant Classification Sherloc (09022015). Collection method: clinical testing. Allele origin: germline.
Comment: In summary, the available evidence is currently insufficient to determine the role of this variant in disease. Therefore, it has been classified as a Variant of Uncertain Significance. Algorithms developed to predict the effect of missense changes on protein structure and function output the following: SIFT: "Tolerated"; PolyPhen-2: "Benign"; Align-GVGD: "Class C0". The threonine amino acid residue is found in multiple mammalian species, suggesting that this missense change does not adversely affect protein function. These predictions have not been confirmed by published functional studies and their clinical significance is uncertain. This variant has not been reported in the literature in individuals with MEFV-related conditions. This variant is not present in population databases (ExAC no frequency). This sequence change replaces alanine with threonine at codon 518 of the MEFV protein (p.Ala518Thr). The alanine residue is weakly conserved and there is a small physicochemical difference between alanine and threonine.